The following is an entry in ClinVar:

ClinVar aggregate classification (germline): Uncertain significance (1 of 4 stars; one submission).

Conditions:
Hypertrophic cardiomyopathy. Also called: HYPERTROPHIC MYOCARDIOPATHY. Identifiers: Orphanet 217569, MedGen C0007194, MeSH D002312, MONDO:0005045, HP:0001639.

gnomAD v4.1: 1 of 1,612,458 alleles (0.000062%); highest among the groups gnomAD compares: Non-Finnish European, 0.000085%; no homozygotes.

Submission:

Labcorp Genetics (formerly Invitae), Labcorp
Classification: Uncertain significance for Hypertrophic cardiomyopathy. Last evaluated: 2025-12-09. Review status: criteria provided, single submitter. Criteria: Invitae Variant Classification Sherloc (09022015). Collection method: clinical testing. Allele origin: germline.
Comment: This sequence change replaces aspartic acid, which is acidic and polar, with asparagine, which is neutral and polar, at codon 26 of the MYOZ2 protein (p.Asp26Asn). This variant also falls at the last nucleotide of exon 2, which is part of the consensus splice site for this exon. This variant is not present in population databases (gnomAD no frequency). This variant has not been reported in the literature in individuals affected with MYOZ2-related conditions. An algorithm developed to predict the effect of missense changes on protein structure and function (PolyPhen-2) suggests that this variant is likely to be tolerated. Variants that disrupt the consensus splice site are a relatively common cause of aberrant splicing (PMID: 17576681, 9536098). Algorithms developed to predict the effect of sequence changes on RNA splicing suggest that this variant may disrupt the consensus splice site. In summary, the available evidence is currently insufficient to determine the role of this variant in disease. Therefore, it has been classified as a Variant of Uncertain Significance.

Literature cited by the submitters: PubMed 17576681; PubMed 9536098.

NM_016599.5(MYOZ2):c.76G>A (p.Asp26Asn)

Gene: MYOZ2 (myozenin 2; plus strand). Cytogenetic location: 4q26.
Variant type: single nucleotide variant.
Coding change: c.76G>A on transcript NM_016599.5 (MANE Select); coding-DNA position 76, G replaced by A.
Protein change: p.Asp26Asn; replaces aspartic acid 26 with asparagine.
Molecular consequence: missense variant.
Genome position (GRCh38, 1-based): chr4:119,136,601, G>A. VCF-style: chr4-119136601-G-A. GRCh37 (hg19) VCF-style: chr4-120057756-G-A.
Other names: c.76G>A, p.Asp26Asn (NM_001440645.1, NM_001440646.1); short protein forms D26N.
Identifiers: ClinVar variation 4705483 (VCV004705483.1).